The following is an entry in ClinVar:

NM_031935.3(HMCN1):c.5927T>C (p.Ile1976Thr)

Gene: HMCN1 (hemicentin 1; plus strand). Cytogenetic location: 1q31.1.
Variant type: single nucleotide variant.
Coding change: c.5927T>C on transcript NM_031935.3 (MANE Select); coding-DNA position 5927, T replaced by C.
Protein change: p.Ile1976Thr; replaces isoleucine 1976 with threonine.
Molecular consequence: missense variant.
Genome position (GRCh38, 1-based): chr1:186,038,904, T>C. VCF-style: chr1-186038904-T-C. GRCh37 (hg19) VCF-style: chr1-186008036-T-C.
Other names: c.5927T>C (NM_031935.2); short protein forms I1976T.
Identifiers: ClinVar variation 2218921 (VCV002218921.9), dbSNP rs372669405, ClinGen allele CA1292421.
Genomic context (GRCh38, chr1:186,038,904, plus strand): 5'-AAGATAATCGTCTACTCTCAGGTTCCACCAGCATGACTTTCTTGAACAGAGGACAGATCA[T>C]TGATATTGAAAGTGCCCAGATCTCAGATGCTGGCATATATAAATGCGTGGCCATCAACTC-3'
Protein context (NP_114141.2, residues 1966-1986): SMTFLNRGQI[Ile1976Thr]DIESAQISDA

ClinVar aggregate classification (germline): Uncertain significance. Review status: criteria provided, multiple submitters, no conflicts (2 of 4 stars). 3 submissions from 3 submitters: Uncertain significance (3). Last evaluated 2023-04-11.

Conditions:
Age related macular degeneration 1 (ARMD1). Also called: MACULOPATHY, AGE-RELATED, 1. Identifiers: MedGen C1864205, MONDO:0011285, OMIM 603075.

Allele frequency attached by ClinVar (database versions not stated): gnomAD exomes 0.00001; ExAC 0.00002; gnomAD 0.00002; TOPMed 0.00005; ESP Exome Variant Server 0.00008.
gnomAD v4.1: 17 of 1,604,072 alleles (0.0011%); highest among the groups gnomAD compares: African/African-American, 0.016%; no homozygotes.

Submissions (3):

Genome-Nilou Lab
Classification: Uncertain significance for Age related macular degeneration 1. Last evaluated: 2023-04-11. Review status: criteria provided, single submitter. Criteria: ACMG Guidelines, 2015. Collection method: clinical testing. Allele origin: germline. Affected: no.

Labcorp Genetics (formerly Invitae), Labcorp
Classification: Uncertain significance. Last evaluated: 2022-12-25. Review status: criteria provided, single submitter. Criteria: Invitae Variant Classification Sherloc (09022015). Collection method: clinical testing. Allele origin: germline.
Comment: In summary, the available evidence is currently insufficient to determine the role of this variant in disease. Therefore, it has been classified as a Variant of Uncertain Significance. Algorithms developed to predict the effect of missense changes on protein structure and function are either unavailable or do not agree on the potential impact of this missense change (SIFT: "Deleterious"; PolyPhen-2: "Benign"; Align-GVGD: "Class C0"). This variant has not been reported in the literature in individuals affected with HMCN1-related conditions. This variant is present in population databases (rs372669405, gnomAD 0.01%). This sequence change replaces isoleucine, which is neutral and non-polar, with threonine, which is neutral and polar, at codon 1976 of the HMCN1 protein (p.Ile1976Thr).

Ambry Genetics
Classification: Uncertain significance. Last evaluated: 2021-09-30. Review status: criteria provided, single submitter. Criteria: Ambry Variant Classification Scheme 2023. Collection method: clinical testing. Allele origin: germline.